The following is an entry in ClinVar:

NM_001244008.2(KIF1A):c.1343A>G (p.Glu448Gly)

Gene: KIF1A (kinesin family member 1A; minus strand). Cytogenetic location: 2q37.3.
Variant type: single nucleotide variant.
Coding change: c.1343A>G on transcript NM_001244008.2 (MANE Select); coding-DNA position 1343, A replaced by G.
Protein change: p.Glu448Gly; replaces glutamic acid 448 with glycine.
Molecular consequence: missense variant.
Genome position (GRCh38, 1-based): chr2:240,769,705, T>C on the plus strand (A>G on the coding strand, the complement: KIF1A is on the minus strand). VCF-style: chr2-240769705-T-C. GRCh37 (hg19) VCF-style: chr2-241709122-T-C.
Other names: c.1343A>G, p.Glu448Gly (NM_001320705.2, NM_001330289.2, NM_001379638.1); c.1418A>G, p.Glu473Gly (NM_001330290.2, NM_001379631.1, NM_001379634.1 and 2 more transcripts); c.1316A>G, p.Glu439Gly (NM_001379632.1, NM_001379633.1, NM_001379636.1 and 10 more transcripts); c.1391A>G, p.Glu464Gly (NM_001379637.1, NM_001379648.1); short protein forms E439G, E448G, E464G, E473G.
Identifiers: ClinVar variation 3754793 (VCV003754793.2).
Genomic context (GRCh38, chr2:240,769,705, plus strand): 5'-TCTGTCCGCCGCAGCTTCTCCTCCCAGGTCTCATTGAGCTCAGCTATGATCTTCTCTGTT[T>C]CCTGGGGATTGAGGCAGAGCACAGTGAGCTGCCGGGGCTAGGGCCAAGGGAGAGGACAAT-3'
Protein context (NP_001230937.1, residues 438-458): GSEEAIERLK[Glu448Gly]TEKIIAELNE

ClinVar aggregate classification (germline): Uncertain significance (1 of 4 stars; one submission).

Conditions:
Neuropathy, hereditary sensory, type 2C. Also called: KIF1A-Related HSAN2 (HSAN2C); Hereditary sensory and autonomic neuropathy type IIC. Identifiers: Orphanet 970, MedGen C3280168, MONDO:0013634, OMIM 614213.
Hereditary spastic paraplegia 30. Identifiers: Orphanet 101010, MedGen C5235139, MONDO:0012476.
Intellectual disability, autosomal dominant 9 (NESCAVS). Also called: KIF1A-Related Neurodevelopmental Disorder; NESCAV SYNDROME. Identifiers: Orphanet 662367, MedGen C5393830, MONDO:0013656, OMIM 614255.

Submission:

Labcorp Genetics (formerly Invitae), Labcorp
Classification: Uncertain significance for Hereditary spastic paraplegia 30; Neuropathy, hereditary sensory, type 2C; Intellectual disability, autosomal dominant 9. Last evaluated: 2024-02-18. Review status: criteria provided, single submitter. Criteria: Invitae Variant Classification Sherloc (09022015). Collection method: clinical testing. Allele origin: germline.
Comment: This sequence change replaces glutamic acid, which is acidic and polar, with glycine, which is neutral and non-polar, at codon 439 of the KIF1A protein (p.Glu439Gly). This variant is not present in population databases (gnomAD no frequency). This variant has not been reported in the literature in individuals affected with KIF1A-related conditions. An algorithm developed to predict the effect of missense changes on protein structure and function (PolyPhen-2) suggests that this variant is likely to be tolerated. In summary, the available evidence is currently insufficient to determine the role of this variant in disease. Therefore, it has been classified as a Variant of Uncertain Significance.